The following is an entry in ClinVar:

ClinVar aggregate classification (germline): Likely benign (1 of 4 stars; one submission).

Allele frequency attached by ClinVar (database versions not stated): TOPMed 0.00044; ESP Exome Variant Server 0.00048; gnomAD 0.00052; ExAC 0.00061.
gnomAD v4.1: 973 of 1,612,858 alleles (0.06%); highest among the groups gnomAD compares: Middle Eastern, 0.18%; 1 homozygote.

Submission:

CeGaT Center for Human Genetics Tuebingen
Classification: Likely benign. Last evaluated: 2022-10-01. Review status: criteria provided, single submitter. Criteria: CeGaT Center For Human Genetics Tuebingen Variant Classification Criteria Version 2. Collection method: clinical testing. Allele origin: germline. Affected: yes. Observed: 1 variant allele.
Comment: CSMD1: BP4, BP7

NM_033225.6(CSMD1):c.7464A>G (p.Pro2488=)

Gene: CSMD1 (CUB and Sushi multiple domains 1; minus strand). Cytogenetic location: 8p23.2.
Variant type: single nucleotide variant.
Coding change: c.7464A>G on transcript NM_033225.6 (MANE Select); coding-DNA position 7464, A replaced by G.
Protein change: p.Pro2488=; no amino-acid change (proline 2488 retained).
Molecular consequence: synonymous variant.
Genome position (GRCh38, 1-based): chr8:3,087,107, T>C on the plus strand (A>G on the coding strand, the complement: CSMD1 is on the minus strand). VCF-style: chr8-3087107-T-C. GRCh37 (hg19) VCF-style: chr8-2944629-T-C.
Identifiers: ClinVar variation 2658328 (VCV002658328.24), dbSNP rs373936423, ClinGen allele CA4605989.
Genomic context (GRCh38, chr8:3,087,107, plus strand): 5'-TGAGAGCAATACACAGGAAACAAGGCTGGGGATGAAAACGCATTTCTTACCCTGGCAGAG[T>C]GGCGTGAGGGAGTCCCACTGGTACATGCCAAGTGGGTTTCGTCTACAGGTTGCATTGCTG-3'
Protein context (NP_150094.5, residues 2478-2498): LGMYQWDSLT[Pro2488=]LCQAVSCGIP